The following is an entry in ClinVar:

NM_001378615.1(CC2D2A):c.2964A>G (p.Gln988=)

Genes: CC2D2A (coiled-coil and C2 domain containing 2A; plus strand), FBXL5 (F-box and leucine rich repeat protein 5; minus strand). Cytogenetic location: 4p15.32.
Variant type: single nucleotide variant.
Coding change: c.2964A>G on transcript NM_001378615.1 (MANE Select); coding-DNA position 2964, A replaced by G.
Protein change: p.Gln988=; no amino-acid change (glutamine 988 retained).
Molecular consequence: synonymous variant.
Genome position (GRCh38, 1-based): chr4:15,560,572, A>G. VCF-style: chr4-15560572-A-G. GRCh37 (hg19) VCF-style: chr4-15562195-A-G.
Other names: c.2964A>G, p.Gln988= (NM_001080522.2); c.2817A>G, p.Gln939= (NM_001378617.1).
Identifiers: ClinVar variation 2927738 (VCV002927738.4), dbSNP rs779641505, ClinGen allele CA2864043.

ClinVar aggregate classification (germline): Likely benign. Review status: criteria provided, multiple submitters, no conflicts (2 of 4 stars). 2 submissions from 2 submitters: Likely benign (2). Last evaluated 2025-11-09.

Conditions:
Joubert syndrome. Also called: JOUBERT-BOLTSHAUSER SYNDROME; Familial aplasia of the vermis. Identifiers: Orphanet 475, MedGen C5979921, MONDO:0018772.
Meckel-Gruber syndrome. Also called: DYSENCEPHALIA SPLANCHNOCYSTICA; GRUBER SYNDROME; Dysencephalia splachnocystica. Identifiers: Orphanet 564, MedGen C0265215, MONDO:0018921.
CC2D2A-related disorder. Also called: CC2D2A-related condition; CC2D2A-related disorders. Identifiers: MedGen CN239313.

Allele frequency attached by ClinVar (database versions not stated): gnomAD 0.00001; gnomAD exomes 0.00001; TOPMed 0.00001; ExAC 0.00003.
gnomAD v4.1: 11 of 1,533,404 alleles (0.00072%); highest among the groups gnomAD compares: East Asian, 0.0092%; no homozygotes.

Submissions (2):

PreventionGenetics, part of Exact Sciences
Classification: Likely benign for CC2D2A-related condition. Last evaluated: 2025-11-09. Review status: criteria provided, single submitter. Criteria: ACMG Guidelines, 2015. Collection method: clinical testing. Allele origin: germline.
Comment: This variant is classified as likely benign based on ACMG/AMP sequence variant interpretation guidelines (Richards et al. 2015 PMID: 25741868, with internal and published modifications).

Labcorp Genetics (formerly Invitae), Labcorp
Classification: Likely benign for Joubert syndrome; Meckel-Gruber syndrome. Last evaluated: 2025-03-20. Review status: criteria provided, single submitter. Criteria: Invitae Variant Classification Sherloc (09022015). Collection method: clinical testing. Allele origin: germline.